The following is an entry in ClinVar:

ClinVar aggregate classification (germline): Uncertain significance (1 of 4 stars; one submission).

Conditions:
Cardiovascular phenotype. Identifiers: MedGen CN230736.
Hereditary cancer-predisposing syndrome. Also called: Neoplastic Syndromes, Hereditary; Tumor predisposition; Hereditary Cancer Syndrome; Hereditary neoplastic syndrome. Identifiers: Orphanet 140162, MedGen C0027672, MeSH D009386, MONDO:0015356.

Submission:

Ambry Genetics
Classification: Uncertain significance for Cardiovascular phenotype; Hereditary cancer-predisposing syndrome. Last evaluated: 2026-04-27. Review status: criteria provided, single submitter. Criteria: Ambry Variant Classification Scheme 2023. Collection method: clinical testing. Allele origin: germline.
Comment: The p.E354G variant (also known as c.1061A>G), located in coding exon 10 of the LZTR1 gene, results from an A to G substitution at nucleotide position 1061. The glutamic acid at codon 354 is replaced by glycine, an amino acid with similar properties. This amino acid position is conserved. In addition, this alteration is predicted to be tolerated by in silico analysis. Based on the available evidence, the clinical significance of this variant remains unclear.

NM_006767.4(LZTR1):c.1061A>G (p.Glu354Gly)

Gene: LZTR1 (leucine zipper like post translational regulator 1; plus strand). Cytogenetic location: 22q11.21.
Variant type: single nucleotide variant.
Coding change: c.1061A>G on transcript NM_006767.4 (MANE Select); coding-DNA position 1061, A replaced by G.
Protein change: p.Glu354Gly; replaces glutamic acid 354 with glycine.
Molecular consequence: missense variant.
Genome position (GRCh38, 1-based): chr22:20,992,281, A>G. VCF-style: chr22-20992281-A-G. GRCh37 (hg19) VCF-style: chr22-21346570-A-G.
Other names: short protein forms E354G.
Identifiers: ClinVar variation 4859394 (VCV004859394.1).